The following is an entry in ClinVar:

ClinVar aggregate classification (germline): Likely benign (0 of 4 stars; one submission).

Conditions:
MGAM-related disorder. Also called: MGAM-related condition.

Submission:

PreventionGenetics, part of Exact Sciences
Classification: Likely benign for MGAM-related condition. Last evaluated: 2022-08-26. Review status: no assertion criteria provided. Collection method: clinical testing. Allele origin: germline.
Comment: This variant is classified as likely benign based on ACMG/AMP sequence variant interpretation guidelines (Richards et al. 2015 PMID: 25741868, with internal and published modifications).

NM_001365693.1(MGAM):c.2374-4T>A

Gene: MGAM (maltase-glucoamylase; plus strand). Cytogenetic location: 7q34.
Variant type: single nucleotide variant.
Coding change: c.2374-4T>A on transcript NM_001365693.1 (MANE Select); 4 bases into the intron before coding-DNA position 2374, T replaced by A.
Molecular consequence: intron variant.
Genome position (GRCh38, 1-based): chr7:142,040,718, T>A. VCF-style: chr7-142040718-T-A. GRCh37 (hg19) VCF-style: chr7-141740518-T-A.
Other names: c.2374-4T>A (NM_004668.3).
Identifiers: ClinVar variation 3052537 (VCV003052537.2), dbSNP rs2486063680, ClinGen allele CA2740094944.
Genomic context (GRCh38, chr7:142,040,718, plus strand): 5'-TAGATAATCAGTGAAGGGCAATATGCTGTCATGCCAATGTGTTTGATTTATCTGCATGCA[T>A]CAGGGGAGCCAAGTGAGATGGAGGAAGCAAAAAGTCGAGATGGAACTTCCTGGAGACAAA-3'